The following is an entry in ClinVar:

NM_001136219.3(FCGR2A):c.645A>G (p.Pro215=)

Gene: FCGR2A (Fc gamma receptor IIa; plus strand). Cytogenetic location: 1q23.3.
Variant type: single nucleotide variant.
Coding change: c.645A>G on transcript NM_001136219.3 (MANE Select); coding-DNA position 645, A replaced by G.
Protein change: p.Pro215=; no amino-acid change (proline 215 retained).
Molecular consequence: synonymous variant. On other transcripts: intron variant (2).
Genome position (GRCh38, 1-based): chr1:161,510,859, A>G. VCF-style: chr1-161510859-A-G. GRCh37 (hg19) VCF-style: chr1-161480649-A-G.
Other names: c.642A>G, p.Pro214= (NM_021642.5); c.619+785A>G (NM_001375296.1); c.616+785A>G (NM_001375297.1).
Identifiers: ClinVar variation 402854 (VCV000402854.5), dbSNP rs11810143, ClinGen allele CA1210703.
Genomic context (GRCh38, chr1:161,510,859, plus strand): 5'-ACCCCCCATCCTGCCCTAATGTCTGTCTTCCCTAGTGCCCAGCATGGGCAGCTCTTCACC[A>G]ATGGGGATCATTGTGGCTGTGGTCATTGCGACTGCTGTAGCAGCCATTGTTGCTGCTGTA-3'
Protein context (NP_001129691.1, residues 205-225): VQVPSMGSSS[Pro215=]MGIIVAVVIA

ClinVar aggregate classification (germline): Benign. Review status: criteria provided, multiple submitters, no conflicts (2 of 4 stars). 2 submissions from 2 submitters: Benign (2). Last evaluated 2016-03-28.

Allele frequency attached by ClinVar (database versions not stated): 1000 Genomes Project 0.05531; 1000 Genomes Project 30x 0.05606; TOPMed 0.08672; gnomAD 0.08812 and 0.08818; ESP Exome Variant Server 0.09449; gnomAD exomes 0.11379.
gnomAD v4.1: 179,616 of 1,614,006 alleles (11%); highest among the groups gnomAD compares: Middle Eastern, 19%; 11,351 homozygotes.

Submissions (2):

Laboratory for Molecular Medicine, Mass General Brigham Personalized Medicine
Classification: Benign. Last evaluated: 2016-03-28. Review status: criteria provided, single submitter. Criteria: LMM Criteria. Collection method: clinical testing. Allele origin: germline.
Comment: Variant identified in a genome or exome case(s) and assessed due to predicted null impact of the variant or pathogenic assertions in the literature or databases. Disclaimer: This variant has not undergone full assessment. The following are preliminary notes: Frequency

Breakthrough Genomics
Classification: Benign. Review status: criteria provided, single submitter. Criteria: ACMG Guidelines, 2015. Collection method: not provided. Allele origin: germline. Inheritance: Autosomal recessive inheritance. Affected: yes.